The following is an entry in ClinVar:

NM_001278064.2(GRM1):c.1670A>G (p.Gln557Arg)

Gene: GRM1 (glutamate metabotropic receptor 1; plus strand). Cytogenetic location: 6q24.3.
Variant type: single nucleotide variant.
Coding change: c.1670A>G on transcript NM_001278064.2 (MANE Select); coding-DNA position 1670, A replaced by G.
Protein change: p.Gln557Arg; replaces glutamine 557 with arginine.
Molecular consequence: missense variant.
Genome position (GRCh38, 1-based): chr6:146,386,957, A>G. VCF-style: chr6-146386957-A-G. GRCh37 (hg19) VCF-style: chr6-146708093-A-G.
Other names: c.1670A>G, p.Gln557Arg (NM_001278065.2, NM_001278066.1, NM_001278067.1); short protein forms Q557R.
Identifiers: ClinVar variation 2656972 (VCV002656972.24), dbSNP rs1310842040, ClinGen allele CA366191909.

ClinVar aggregate classification (germline): Uncertain significance (1 of 4 stars; one submission).

Allele frequency attached by ClinVar (database versions not stated): gnomAD 0.00001.
gnomAD v4.1: 12 of 1,612,780 alleles (0.00074%); highest among the groups gnomAD compares: Non-Finnish European, 0.001%; no homozygotes.

Submission:

CeGaT Center for Human Genetics Tuebingen
Classification: Uncertain significance. Last evaluated: 2022-10-01. Review status: criteria provided, single submitter. Criteria: CeGaT Center For Human Genetics Tuebingen Variant Classification Criteria Version 2. Collection method: clinical testing. Allele origin: germline. Affected: yes. Observed: 1 variant allele.
Comment: GRM1: PP3